The following is an entry in ClinVar:

ClinVar aggregate classification (germline): Benign/Likely benign. Review status: criteria provided, multiple submitters, no conflicts (2 of 4 stars). 3 submissions from 3 submitters: Benign (1); Likely benign (2). Last evaluated 2025-05-31.

Conditions:
Hereditary cancer-predisposing syndrome. Also called: Neoplastic Syndromes, Hereditary; Hereditary neoplastic syndrome; Hereditary Cancer Syndrome; Tumor predisposition. Identifiers: Orphanet 140162, MedGen C0027672, MeSH D009386, MONDO:0015356.
Familial cancer of breast. Also called: hereditary breast carcinoma; Hereditary breast cancer; BREAST CANCER, FAMILIAL. Identifiers: Orphanet 227535, MedGen C0346153, MONDO:0016419, OMIM 114480. Disease mechanism: loss of function.

Submissions (3):

Ambry Genetics
Classification: Likely benign for Hereditary cancer-predisposing syndrome. Last evaluated: 2025-05-31. Review status: criteria provided, single submitter. Criteria: Ambry Variant Classification Scheme 2023. Collection method: clinical testing. Allele origin: germline.

Myriad Genetics, Inc.
Classification: Benign for Familial cancer of breast. Last evaluated: 2024-10-08. Review status: criteria provided, single submitter. Criteria: Myriad Autosomal Dominant, Autosomal Recessive and X-Linked Classification Criteria (2023). Collection method: clinical testing. Allele origin: unknown.
Comment: This variant is considered benign. This variant is a silent/synonymous amino acid change and it is not expected to impact splicing.

Labcorp Genetics (formerly Invitae), Labcorp
Classification: Likely benign for Familial cancer of breast. Last evaluated: 2023-11-10. Review status: criteria provided, single submitter. Criteria: Invitae Variant Classification Sherloc (09022015). Collection method: clinical testing. Allele origin: germline.

NM_007194.4(CHEK2):c.1305A>G (p.Ser435=)

Gene: CHEK2 (checkpoint kinase 2; minus strand). Cytogenetic location: 22q12.1.
Variant type: single nucleotide variant.
Coding change: c.1305A>G on transcript NM_007194.4 (MANE Select); coding-DNA position 1305, A replaced by G.
Protein change: p.Ser435=; no amino-acid change (serine 435 retained).
Molecular consequence: synonymous variant.
Genome position (GRCh38, 1-based): chr22:28,695,197, T>C on the plus strand (A>G on the coding strand, the complement: CHEK2 is on the minus strand). VCF-style: chr22-28695197-T-C. GRCh37 (hg19) VCF-style: chr22-29091185-T-C.
Other names: c.1434A>G, p.Ser478= (NM_001005735.3); c.642A>G, p.Ser214= (NM_001257387.3); c.1104A>G, p.Ser368= (NM_001349956.3); c.1218A>G, p.Ser406= (NM_145862.3).
Identifiers: ClinVar variation 2973724 (VCV002973724.5), dbSNP rs2145794786, ClinGen allele CA513944827.